The following is an entry in ClinVar:

NM_147127.5(EVC2):c.1172C>T (p.Ala391Val)

Genes: EVC2 (EvC ciliary complex subunit 2; minus strand), LOC126806961 (BRD4-independent group 4 enhancer GRCh37_chr4:5641443-5642642; plus strand). Cytogenetic location: 4p16.2.
Variant type: single nucleotide variant.
Coding change: c.1172C>T on transcript NM_147127.5 (MANE Select); coding-DNA position 1172, C replaced by T.
Protein change: p.Ala391Val; replaces alanine 391 with valine.
Molecular consequence: missense variant.
Genome position (GRCh38, 1-based): chr4:5,640,812, G>A on the plus strand (C>T on the coding strand, the complement: EVC2 is on the minus strand). VCF-style: chr4-5640812-G-A. GRCh37 (hg19) VCF-style: chr4-5642539-G-A.
Other names: c.932C>T, p.Ala311Val (NM_001166136.2); short protein forms A311V, A391V.
Identifiers: ClinVar variation 2940994 (VCV002940994.3), dbSNP rs1368934888, ClinGen allele CA356152506.

ClinVar aggregate classification (germline): Uncertain significance (1 of 4 stars; one submission).

Conditions:
Curry-Hall syndrome (WAD). Also called: WEYERS ACRODENTAL DYSOSTOSIS. Identifiers: Orphanet 952, MedGen C0457013, MONDO:0008673, OMIM 193530.
Ellis-van Creveld syndrome (EVC). Also called: EVC-Related Ellis-van Creveld Syndrome; EVC2-Related Ellis-van Creveld Syndrome; MESOECTODERMAL DYSPLASIA; Chondroectodermal dysplasia. Identifiers: Orphanet 289, MedGen C0013903, MONDO:0009162, OMIM 225500.

Allele frequency attached by ClinVar (database versions not stated): gnomAD exomes below 0.00001.
gnomAD v4.1: 1 of 1,614,140 alleles (0.000062%); highest among the groups gnomAD compares: Non-Finnish European, 0.000085%; no homozygotes.

Submission:

Labcorp Genetics (formerly Invitae), Labcorp
Classification: Uncertain significance for Curry-Hall syndrome; Ellis-van Creveld syndrome. Last evaluated: 2022-11-01. Review status: criteria provided, single submitter. Criteria: Invitae Variant Classification Sherloc (09022015). Collection method: clinical testing. Allele origin: germline.
Comment: In summary, the available evidence is currently insufficient to determine the role of this variant in disease. Therefore, it has been classified as a Variant of Uncertain Significance. Algorithms developed to predict the effect of missense changes on protein structure and function are either unavailable or do not agree on the potential impact of this missense change (SIFT: "Deleterious"; PolyPhen-2: "Probably Damaging"; Align-GVGD: "Class C0"). This variant has not been reported in the literature in individuals affected with EVC2-related conditions. This variant is present in population databases (no rsID available, gnomAD 0.0009%). This sequence change replaces alanine, which is neutral and non-polar, with valine, which is neutral and non-polar, at codon 391 of the EVC2 protein (p.Ala391Val).